The following is an entry in ClinVar:

ClinVar aggregate classification (germline): Uncertain significance (1 of 4 stars; one submission).

Conditions:
Cardiovascular phenotype. Identifiers: MedGen CN230736.

Submission:

Ambry Genetics
Classification: Uncertain significance for Cardiovascular phenotype. Last evaluated: 2026-07-09. Review status: criteria provided, single submitter. Criteria: Ambry Variant Classification Scheme 2023. Collection method: clinical testing. Allele origin: germline.
Comment: The p.P587A variant (also known as c.1759C>G), located in coding exon 4 of the JPH2 gene, results from a C to G substitution at nucleotide position 1759. The proline at codon 587 is replaced by alanine, an amino acid with highly similar properties. This amino acid position is conserved. In addition, this alteration is predicted to be tolerated by in silico analysis. Based on the available evidence, the clinical significance of this variant remains unclear.

NM_020433.5(JPH2):c.1759C>G (p.Pro587Ala)

Gene: JPH2 (junctophilin 2; minus strand). Cytogenetic location: 20q13.12.
Variant type: single nucleotide variant.
Coding change: c.1759C>G on transcript NM_020433.5 (MANE Select); coding-DNA position 1759, C replaced by G.
Protein change: p.Pro587Ala; replaces proline 587 with alanine.
Molecular consequence: missense variant.
Genome position (GRCh38, 1-based): chr20:44,115,916, G>C on the plus strand (C>G on the coding strand, the complement: JPH2 is on the minus strand). VCF-style: chr20-44115916-G-C. GRCh37 (hg19) VCF-style: chr20-42744556-G-C.
Other names: short protein forms P587A.
Identifiers: ClinVar variation 5022898 (VCV005022898.1).